The following is an entry in ClinVar:

ClinVar aggregate classification (germline): Pathogenic (1 of 4 stars; one submission).

Conditions:
Primary ciliary dyskinesia. Also called: Ciliary dyskinesia. Identifiers: Orphanet 244, MedGen C0008780, MONDO:0016575, HP:0012265.

Submission:

Labcorp Genetics (formerly Invitae), Labcorp
Classification: Pathogenic for Primary ciliary dyskinesia. Last evaluated: 2024-02-15. Review status: criteria provided, single submitter. Criteria: Invitae Variant Classification Sherloc (09022015). Collection method: clinical testing. Allele origin: germline.
Comment: This sequence change creates a premature translational stop signal (p.Lys232*) in the DNAH5 gene. It is expected to result in an absent or disrupted protein product. Loss-of-function variants in DNAH5 are known to be pathogenic (PMID: 11788826, 16627867). This variant is not present in population databases (gnomAD no frequency). This variant has not been reported in the literature in individuals affected with DNAH5-related conditions. For these reasons, this variant has been classified as Pathogenic.

Literature cited by the submitters: PubMed 11788826; PubMed 16627867.

NM_001369.3(DNAH5):c.694A>T (p.Lys232Ter)

Gene: DNAH5 (dynein axonemal heavy chain 5; minus strand). Cytogenetic location: 5p15.2.
Variant type: single nucleotide variant.
Coding change: c.694A>T on transcript NM_001369.3 (MANE Select); coding-DNA position 694, A replaced by T.
Protein change: p.Lys232Ter; replaces lysine 232 with a stop codon.
Molecular consequence: nonsense.
Genome position (GRCh38, 1-based): chr5:13,920,584, T>A on the plus strand (A>T on the coding strand, the complement: DNAH5 is on the minus strand). VCF-style: chr5-13920584-T-A. GRCh37 (hg19) VCF-style: chr5-13920693-T-A.
Other names: short protein forms K232*.
Identifiers: ClinVar variation 2843900 (VCV002843900.3), dbSNP rs2547149327, ClinGen allele CA359220827.
Genomic context (GRCh38, chr5:13,920,584, plus strand): 5'-TTCCCAAAGTCTCAGGGTTATTTGCTAGAGTCAAGTAGTCCGTAGGTTCCTTTAGGGTTT[T>A]CAGTTCAAGTATGTCACACTTTCGAAGGTTCACCTAATTAGAATGAAAATTAAATAATCA-3'